The following is an entry in ClinVar:

ClinVar aggregate classification (germline): Uncertain significance (1 of 4 stars; one submission).

Conditions:
Neuronal ceroid lipofuscinosis 1 (CLN1). Also called: CEROID LIPOFUSCINOSIS, NEURONAL, 1, VARIABLE AGE AT ONSET; PPT1-Related Neuronal Ceroid-Lipofuscinosis. Identifiers: Orphanet 228329, MedGen C1850451, MONDO:0009744, OMIM 256730.

Submission:

Labcorp Genetics (formerly Invitae), Labcorp
Classification: Uncertain significance for Neuronal ceroid lipofuscinosis 1. Last evaluated: 2022-05-29. Review status: criteria provided, single submitter. Criteria: Invitae Variant Classification Sherloc (09022015). Collection method: clinical testing. Allele origin: germline.
Comment: In summary, the available evidence is currently insufficient to determine the role of this variant in disease. Therefore, it has been classified as a Variant of Uncertain Significance. Experimental studies and prediction algorithms are not available or were not evaluated, and the functional significance of this variant is currently unknown. This variant has not been reported in the literature in individuals affected with PPT1-related conditions. This variant results in a copy number gain of the genomic region encompassing exon(s) 6-9 of the PPT1 gene. This region includes the termination codon of the gene. This copy number gain extends beyond the assayed region for this gene and therefore may encompass additional genes. As the precise location of this event is unknown, it may be in tandem or it may be located elsewhere in the genome.

NC_000001.10:g.(?_40539733)_(40546179_?)dup

Gene: PPT1 (palmitoyl-protein thioesterase 1; minus strand). Cytogenetic location: 1p34.2.
Variant type: Duplication.
Identifiers: ClinVar variation 2422853 (VCV002422853.4).